The following is an entry in ClinVar:

NM_130468.4(CHST14):c.162C>G (p.Ser54Arg)

Genes: CHST14 (carbohydrate sulfotransferase 14; plus strand), LOC130056851 (ATAC-STARR-seq lymphoblastoid silent region 6336; plus strand). Cytogenetic location: 15q15.1.
Variant type: single nucleotide variant.
Coding change: c.162C>G on transcript NM_130468.4 (MANE Select); coding-DNA position 162, C replaced by G.
Protein change: p.Ser54Arg; replaces serine 54 with arginine.
Molecular consequence: missense variant.
Genome position (GRCh38, 1-based): chr15:40,471,375, C>G. VCF-style: chr15-40471375-C-G. GRCh37 (hg19) VCF-style: chr15-40763574-C-G.
Other names: short protein forms S54R.
Identifiers: ClinVar variation 4848089 (VCV004848089.1).

ClinVar aggregate classification (germline): Uncertain significance (1 of 4 stars; one submission).

Submission:

Women's Health and Genetics/Laboratory Corporation of America, LabCorp
Classification: Uncertain significance. Last evaluated: 2026-02-24. Review status: criteria provided, single submitter. Criteria: LabCorp Variant Classification Summary - May 2015. Collection method: clinical testing. Allele origin: germline.
Comment: Variant summary: CHST14 c.162C>G (p.Ser54Arg) results in a non-conservative amino acid change in the encoded protein sequence. Algorithms developed to predict the effect of missense changes on protein structure and function are either unavailable or do not agree on the potential impact of this missense change. The variant allele was found at a frequency of 6.3e-06 in 159628 control chromosomes. The available data on variant occurrences in the general population are insufficient to allow any conclusion about variant significance. To our knowledge, no occurrence of c.162C>G in individuals affected with CHST14-related conditions and no experimental evidence demonstrating its impact on protein function have been reported. No submitters have cited clinical-significance assessments for this variant to ClinVar. Based on the evidence outlined above, the variant was classified as uncertain significance.